The following is an entry in ClinVar:

NM_000532.5(PCCB):c.990dup (p.Glu331Ter)

Gene: PCCB (propionyl-CoA carboxylase subunit beta; plus strand). Cytogenetic location: 3q22.3.
Variant type: Duplication.
Coding change: c.990dup on transcript NM_000532.5 (MANE Select); coding-DNA position 990, one base duplicated (T; older notation c.990dupT).
Protein change: p.Glu331Ter; replaces glutamic acid 331 with a stop codon.
Molecular consequence: nonsense.
Genome position (GRCh38, 1-based): chr3:136,316,964, T duplicated; the last of 6 consecutive T bases (chr3:136,316,959-136,316,964); duplicating any one gives the same sequence. VCF-style (leftmost placement, unchanged base first): chr3-136316958-A-AT. GRCh37 (hg19) VCF-style: chr3-136035800-A-AT.
Other names: c.990dupT (NM_000532.5); c.1050dup, p.Glu351Ter (NM_001178014.2); c.990dup (NM_000532.4); short protein forms E351*, E331*.
Identifiers: ClinVar variation 167423 (VCV000167423.54), dbSNP rs786200983, ClinGen allele CA278499.

ClinVar aggregate classification (germline): Pathogenic/Likely pathogenic. Review status: criteria provided, multiple submitters, no conflicts (2 of 4 stars). 17 submissions from 17 submitters: Pathogenic (12); Likely pathogenic (1). 4 of the submissions do not count toward it. Last evaluated 2026-02-03.

Conditions:
PCCB-related disorder. Also called: PCCB-related condition.
Propionic acidemia (PROP). Also called: GLYCINEMIA, KETOTIC; HYPERGLYCINEMIA WITH KETOACIDOSIS AND LEUKOPENIA; KETOTIC HYPERGLYCINEMIA. Identifiers: Orphanet 35, MedGen C0268579, MONDO:0011628, OMIM 606054, HP:0003571.

Submissions (17):

Labcorp Genetics (formerly Invitae), Labcorp
Classification: Pathogenic for Propionic acidemia. Last evaluated: 2026-02-03. Review status: criteria provided, single submitter. Criteria: Invitae Variant Classification Sherloc (09022015). Collection method: clinical testing. Allele origin: germline.
Comment: This sequence change creates a premature translational stop signal (p.Glu331*) in the PCCB gene. It is expected to result in an absent or disrupted protein product. Loss-of-function variants in PCCB are known to be pathogenic (PMID: 15464417). This variant is present in population databases (rs763069936, gnomAD 0.1%). This premature translational stop signal has been observed in individuals with propionic aciduria (PMID: 12559849, 22033733, 23430860, 24516753). ClinVar contains an entry for this variant (Variation ID: 167423). For these reasons, this variant has been classified as Pathogenic.

Natera, Inc.
Classification: Pathogenic for Propionic acidemia. Last evaluated: 2025-09-23. Review status: criteria provided, single submitter. Criteria: Natera Variant Classification Schema (03/2026). Collection method: clinical testing. Allele origin: germline.
Comment: The c.990dupT variant in PCCB is a frameshift variant predicted to shift the reading frame and introduce a stop codon. This variant is expected to result in nonsense mediated decay, truncation, or a dysfunctional protein product. This variant is rare in the general population with a frequency below the threshold expected for the associated phenotype(s). This variant has been observed in one or more individuals affected with the associated recessive disease, as either homozygous or compound heterozygous with a second variant (PMID: 24059531). Given the available evidence, this variant is classified as Pathogenic.

CeGaT Center for Human Genetics Tuebingen
Classification: Pathogenic. Last evaluated: 2025-04-01. Review status: criteria provided, single submitter. Criteria: CeGaT Center For Human Genetics Tuebingen Variant Classification Criteria Version 2. Collection method: clinical testing. Allele origin: germline. Affected: yes. Observed: 1 variant allele.
Comment: PCCB: PVS1, PM3:Strong, PM2

Genomic Medicine Center of Excellence, King Faisal Specialist Hospital and Research Centre
Classification: Pathogenic for Propionic acidemia. Last evaluated: 2024-09-22. Review status: criteria provided, single submitter. Criteria: ACMG Guidelines, 2015. Collection method: clinical testing. Allele origin: germline.

Fulgent Genetics
Classification: Pathogenic for Propionic acidemia. Last evaluated: 2024-03-27. Review status: criteria provided, single submitter. Criteria: ACMG Guidelines, 2015. Collection method: clinical testing. Allele origin: germline.

Baylor Genetics
Classification: Pathogenic for Propionic acidemia. Last evaluated: 2024-03-04. Review status: criteria provided, single submitter. Criteria: ACMG Guidelines, 2015. Collection method: clinical testing. Allele origin: unknown.

Blueprint Genetics
Classification: Likely pathogenic for PCCB-related disorders. Last evaluated: 2022-01-10. Review status: criteria provided, single submitter. Criteria: ACMG Guidelines, 2015. Collection method: clinical testing. Allele origin: germline. Affected: yes. Observed: 2 variant alleles.

New York Genome Center
Classification: Pathogenic for Propionic acidemia. Last evaluated: 2021-01-21. Review status: criteria provided, single submitter. Criteria: NYGC Assertion Criteria 2020. Collection method: clinical testing. Allele origin: inherited. Observed: 1 heterozygote. Study: CSER-NYCKidSeq.

GeneDx
Classification: Pathogenic. Last evaluated: 2020-02-18. Review status: criteria provided, single submitter. Criteria: GeneDx Variant Classification Process June 2021. Collection method: clinical testing. Allele origin: germline. Affected: yes.
Comment: Nonsense variant predicted to result in protein truncation or nonsense mediated decay in a gene for which loss-of-function is a known mechanism of disease; This variant is associated with the following publications: (PMID: 22033733, 24516753, 24059531, 23430860, 20549364, 12559849, 30705822, 31916709)

Women's Health and Genetics/Laboratory Corporation of America, LabCorp
Classification: Pathogenic for Propionic acidemia. Last evaluated: 2017-07-24. Review status: criteria provided, single submitter. Criteria: LabCorp Variant Classification Summary - May 2015. Collection method: clinical testing. Allele origin: germline.
Comment: Variant summary: The PCCB c.990dupT (p.Glu331X) variant results in a premature termination codon, predicted to cause a truncated or absent PCCB protein due to nonsense mediated decay, which are commonly known mechanisms for disease.This variant was found in 6/121406 control chromosomes at a frequency of 0.0000494, which does not exceed the estimated maximal expected allele frequency of a pathogenic PCCB variant (0.0025). Multiple publications have cited the variant in affected compound heterozygote and homozygote individuals. In addition, multiple clinical diagnostic laboratories/reputable databases classified this variant as pathogenic. Taken together, this variant is classified as pathogenic.

Eurofins Ntd Llc (ga)
Classification: Pathogenic. Last evaluated: 2017-03-02. Review status: criteria provided, single submitter. Criteria: EGL Classification Definitions 2015. Collection method: clinical testing. Allele origin: germline. Observed: 2 variant alleles, 1 heterozygote, 1 homozygote.

Daryl Scott Lab, Baylor College of Medicine
Classification: Pathogenic for Propionic acidemia. Review status: criteria provided, single submitter. Criteria: ACMG Guidelines, 2015. Collection method: clinical testing. Allele origin: unknown. Affected: yes. Observed: 1 compound heterozygote.
Comment: PVS1, PS4, PM2, PM3

Rady Children's Institute for Genomic Medicine, Rady Children's Hospital San Diego
Classification: Pathogenic for PROPIONIC ACIDEMIA. Review status: criteria provided, single submitter. Criteria: ACMG Guidelines, 2015. Collection method: clinical testing. Allele origin: germline. Affected: yes.
Comment: This nonsense variant found in exon 11 of 16 is predicted to result in loss of normal protein function through either protein truncation or nonsense-mediated mRNA decay (NMD). This variant has been previously reported as both a compound heterozygous and homozygous change in patients with propionic acidemia (MIM#: 606054; PMID: 12559849, 22033733, 23430860, 24516753). It is present in the heterozygous state in the gnomAD population database at a frequency of 0.0008% (25/282848) and thus is presumed to be rare. Based on the available evidence, the c.1050dup (p.Glu351Ter) variant is classified as Pathogenic.

PreventionGenetics, part of Exact Sciences
Classification: Pathogenic for PCCB-related condition. Last evaluated: 2024-08-23. Review status: no assertion criteria provided. Collection method: clinical testing. Allele origin: germline. Not counted in ClinVar's aggregate classification.
Comment: The PCCB c.990dupT variant is predicted to result in premature protein termination (p.Glu331*). This variant has been reported in the compound heterozygous state with a second pathogenic variant or in the homozygous state in unrelated individuals with propionic acidemia (Pérez et al. 2003. PubMed ID: 12559849; Ali et al. 2011. PubMed ID: 21483992; Al-Hamed et al. 2019. PubMed ID: 30705822). Analysis of propionyl-CoA carboxylase (PCC) activity in skin fibroblasts from a patient who was compound heterozygous for this variant and a second pathogenic variant (c.1228C>T, p.Arg410Trp) revealed that together, these two variants nearly abolished the enzyme activity (Pérez-Cerdá et al. 2003. PubMed ID: 12757933). This variant is reported in 0.10% of alleles in individuals of African descent in gnomAD. Nonsense variants in PCCB are expected to be pathogenic. This variant is interpreted as pathogenic.

Clinical Laboratory Sciences Program (CLSP), King Saud bin Abdulaziz University for Health Sciences (KSAU-HS)
Classification: Pathogenic for Propionic acidemia. Last evaluated: 2023-04-01. Review status: no assertion criteria provided. Collection method: clinical testing. Allele origin: germline. Affected: yes. Not counted in ClinVar's aggregate classification.

Biochemical Molecular Genetic Laboratory, King Abdulaziz Medical City
Classification: Pathogenic for Propionic acidemia. Last evaluated: 2019-01-29. Review status: no assertion criteria provided. Collection method: clinical testing. Allele origin: germline. Affected: yes. Not counted in ClinVar's aggregate classification.

Counsyl
Classification: Pathogenic for Propionic acidemia. Last evaluated: 2016-12-27. Review status: no assertion criteria provided. Collection method: clinical testing. Allele origin: unknown. Not counted in ClinVar's aggregate classification.

Literature cited by the submitters: PubMed 15464417 (cited by Labcorp Genetics (formerly Invitae), Labcorp); PubMed 12559849 (cited by 3 submitters); PubMed 22033733 (cited by Labcorp Genetics (formerly Invitae), Labcorp and Women's Health and Genetics/Laboratory Corporation of America, LabCorp); PubMed 23430860 (cited by Labcorp Genetics (formerly Invitae), Labcorp and Counsyl); PubMed 24516753 (cited by Labcorp Genetics (formerly Invitae), Labcorp); PubMed 24059531 (cited by Natera, Inc. and Women's Health and Genetics/Laboratory Corporation of America, LabCorp).